The following is an entry in ClinVar:

ClinVar aggregate classification (germline): Uncertain significance (1 of 4 stars; one submission).

Conditions:
Cardiomyopathy (CMYO). Also called: Cardiomyopathies. Identifiers: Orphanet 167848, MedGen C0878544, MONDO:0004994, HP:0001638. Inheritance: Various modes of inheritance.

Submission:

Color Diagnostics, LLC DBA Color Health
Classification: Uncertain significance for Cardiomyopathy. Last evaluated: 2024-03-06. Review status: criteria provided, single submitter. Criteria: ACMG Guidelines, 2015. Collection method: clinical testing. Allele origin: germline.
Comment: This missense variant replaces isoleucine with methionine at codon 1906 of the DSP protein. Computational prediction suggests that this variant may not impact protein structure and function (internally defined REVEL score threshold <= 0.5, PMID: 27666373). To our knowledge, functional studies have not been reported for this variant. This variant has not been reported in individuals affected with cardiovascular disorders in the literature. This variant has not been identified in the general population by the Genome Aggregation Database (gnomAD). The available evidence is insufficient to determine the role of this variant in disease conclusively. Therefore, this variant is classified as a Variant of Uncertain Significance.

NM_004415.4(DSP):c.5718C>G (p.Ile1906Met)

Gene: DSP (desmoplakin; plus strand). Cytogenetic location: 6p24.3.
Variant type: single nucleotide variant.
Coding change: c.5718C>G on transcript NM_004415.4 (MANE Select); coding-DNA position 5718, C replaced by G.
Protein change: p.Ile1906Met; replaces isoleucine 1906 with methionine.
Molecular consequence: missense variant.
Genome position (GRCh38, 1-based): chr6:7,582,980, C>G. VCF-style: chr6-7582980-C-G. GRCh37 (hg19) VCF-style: chr6-7583213-C-G.
Other names: c.3921C>G, p.Ile1307Met (NM_001008844.3); c.4389C>G, p.Ile1463Met (NM_001319034.2); short protein forms I1307M, I1463M, I1906M.
Identifiers: ClinVar variation 1171109 (VCV001171109.3), dbSNP rs2113698577, ClinGen allele CA362689262.